The following is an entry in ClinVar:

ClinVar aggregate classification (germline): Likely benign (1 of 4 stars; one submission).

Allele frequency attached by ClinVar (database versions not stated): gnomAD exomes below 0.00001.
gnomAD v4.1: 2 of 1,613,278 alleles (0.00012%); highest among the groups gnomAD compares: East Asian, 0.0045%; no homozygotes.

Submission:

GeneDx
Classification: Likely benign. Last evaluated: 2018-05-03. Review status: criteria provided, single submitter. Criteria: GeneDx Variant Classification (06012015). Collection method: clinical testing. Allele origin: germline. Affected: yes.
Comment: This variant is considered likely benign or benign based on one or more of the following criteria: it is a conservative change, it occurs at a poorly conserved position in the protein, it is predicted to be benign by multiple in silico algorithms, and/or has population frequency not consistent with disease.

NM_001384140.1(PCDH15):c.2208G>A (p.Val736=)

Gene: PCDH15 (protocadherin related 15; minus strand). Cytogenetic location: 10q21.1.
Variant type: single nucleotide variant.
Coding change: c.2208G>A on transcript NM_001384140.1 (MANE Select); coding-DNA position 2208, G replaced by A.
Protein change: p.Val736=; no amino-acid change (valine 736 retained).
Molecular consequence: synonymous variant.
Genome position (GRCh38, 1-based): chr10:54,066,769, C>T on the plus strand (G>A on the coding strand, the complement: PCDH15 is on the minus strand). VCF-style: chr10-54066769-C-T. GRCh37 (hg19) VCF-style: chr10-55826529-C-T.
Other names: c.2223G>A, p.Val741= (NM_001142763.2, NM_001142771.2); c.2208G>A, p.Val736= (NM_001142764.2, NM_001142766.2, NM_001142770.3 and 5 more transcripts); c.1995G>A, p.Val665= (NM_001142765.2); c.2097G>A, p.Val699= (NM_001142767.2); c.2142G>A, p.Val714= (NM_001142768.2, NM_001142773.2, NM_001354404.2); c.2244G>A, p.Val748= (NM_001142769.4); c.2229G>A, p.Val743= (NM_001354411.2).
Identifiers: ClinVar variation 681430 (VCV000681430.1), dbSNP rs1590210875, ClinGen allele CA469493143.